The following is an entry in ClinVar:

NM_002334.4(LRP4):c.3557G>T (p.Trp1186Leu)

Gene: LRP4 (LDL receptor related protein 4; minus strand). Cytogenetic location: 11p11.2.
Variant type: single nucleotide variant.
Coding change: c.3557G>T on transcript NM_002334.4 (MANE Select); coding-DNA position 3557, G replaced by T.
Protein change: p.Trp1186Leu; replaces tryptophan 1186 with leucine.
Molecular consequence: missense variant.
Genome position (GRCh38, 1-based): chr11:46,875,946, C>A on the plus strand (G>T on the coding strand, the complement: LRP4 is on the minus strand). VCF-style: chr11-46875946-C-A. GRCh37 (hg19) VCF-style: chr11-46897497-C-A.
Other names: short protein forms W1186L.
Identifiers: ClinVar variation 2152388 (VCV002152388.3), dbSNP rs387906883, ClinGen allele CA5969547.

ClinVar aggregate classification (germline): Uncertain significance (1 of 4 stars; one submission).

Conditions:
Congenital myasthenic syndrome 17. Identifiers: Orphanet 590, MedGen C4225377, MONDO:0014578, OMIM 616304.
Cenani-Lenz syndactyly syndrome. Also called: CENANI SYNDACTYLISM; SYNDACTYLY, TYPE VII. Identifiers: Orphanet 3258, MedGen C1859309, MONDO:0008931, OMIM 212780.
Sclerosteosis 2 (SOST2). Identifiers: Orphanet 3152, MedGen C3280402, MONDO:0013679, OMIM 614305.

Allele frequency attached by ClinVar (database versions not stated): TOPMed below 0.00001; ExAC 0.00002.
gnomAD v4.1: 19 of 1,614,072 alleles (0.0012%); highest among the groups gnomAD compares: South Asian, 0.0022%; no homozygotes.

Submission:

Labcorp Genetics (formerly Invitae), Labcorp
Classification: Uncertain significance for Cenani-Lenz syndactyly syndrome; Sclerosteosis 2; Congenital myasthenic syndrome 17. Last evaluated: 2022-02-08. Review status: criteria provided, single submitter. Criteria: Invitae Variant Classification Sherloc (09022015). Collection method: clinical testing. Allele origin: germline.
Comment: In summary, the available evidence is currently insufficient to determine the role of this variant in disease. Therefore, it has been classified as a Variant of Uncertain Significance. Algorithms developed to predict the effect of missense changes on protein structure and function (SIFT, PolyPhen-2, Align-GVGD) all suggest that this variant is likely to be disruptive. This variant has not been reported in the literature in individuals affected with LRP4-related conditions. This variant is present in population databases (rs387906883, gnomAD 0.003%). This sequence change replaces tryptophan, which is neutral and slightly polar, with leucine, which is neutral and non-polar, at codon 1186 of the LRP4 protein (p.Trp1186Leu).